The following is an entry in ClinVar:

ClinVar aggregate classification (germline): Benign/Likely benign. Review status: criteria provided, multiple submitters, no conflicts (2 of 4 stars). 4 submissions from 4 submitters: Benign (1); Likely benign (3). Last evaluated 2025-06-16.

Conditions:
Hereditary cancer-predisposing syndrome. Also called: Neoplastic Syndromes, Hereditary; Hereditary Cancer Syndrome; Tumor predisposition; Hereditary neoplastic syndrome. Identifiers: Orphanet 140162, MedGen C0027672, MeSH D009386, MONDO:0015356.
Familial cancer of breast. Also called: Hereditary breast cancer; BREAST CANCER, FAMILIAL; hereditary breast carcinoma. Identifiers: Orphanet 227535, MedGen C0346153, MONDO:0016419, OMIM 114480. Disease mechanism: loss of function.
Ataxia-telangiectasia syndrome (AT). Also called: LOUIS-BAR SYNDROME; Cerebello-oculocutaneous telangiectasia; Immunodeficiency with ataxia telangiectasia; Ataxia-telangiectasia, complementation group D; AT, COMPLEMENTATION GROUP C; Ataxia-telangiectasia, complementation group E. Identifiers: Orphanet 100, MedGen C0004135, MONDO:0008840, OMIM 208900.

Allele frequency attached by ClinVar (database versions not stated): gnomAD exomes below 0.00001 and 0.00001; ExAC 0.00001; gnomAD 0.00001; TOPMed 0.00001.
gnomAD v4.1: 10 of 1,612,754 alleles (0.00062%); highest among the groups gnomAD compares: African/African-American, 0.013%; 1 homozygote.

Submissions (4):

Labcorp Genetics (formerly Invitae), Labcorp
Classification: Likely benign for Ataxia-telangiectasia syndrome. Last evaluated: 2025-06-16. Review status: criteria provided, single submitter. Criteria: Invitae Variant Classification Sherloc (09022015). Collection method: clinical testing. Allele origin: germline.

Myriad Genetics, Inc.
Classification: Benign for Familial cancer of breast. Last evaluated: 2024-06-17. Review status: criteria provided, single submitter. Criteria: Myriad Autosomal Dominant, Autosomal Recessive and X-Linked Classification Criteria (2023). Collection method: clinical testing. Allele origin: unknown.
Comment: This variant is considered benign. This variant is a silent/synonymous amino acid change and it is not expected to impact splicing.

Color Diagnostics, LLC DBA Color Health
Classification: Likely benign for Hereditary cancer-predisposing syndrome. Last evaluated: 2018-10-19. Review status: criteria provided, single submitter. Criteria: ACMG Guidelines, 2015. Collection method: clinical testing. Allele origin: germline.

Ambry Genetics
Classification: Likely benign for Hereditary cancer-predisposing syndrome. Last evaluated: 2017-07-28. Review status: criteria provided, single submitter. Criteria: Ambry Variant Classification Scheme 2023. Collection method: clinical testing. Allele origin: germline.

NM_000051.4(ATM):c.7905C>T (p.Ala2635=)

Genes: ATM (ATM serine/threonine kinase; plus strand), C11orf65 (chromosome 11 open reading frame 65; minus strand). Cytogenetic location: 11q22.3.
Variant type: single nucleotide variant.
Coding change: c.7905C>T on transcript NM_000051.4 (MANE Select); coding-DNA position 7905, C replaced by T.
Protein change: p.Ala2635=; no amino-acid change (alanine 2635 retained).
Molecular consequence: synonymous variant. On other transcripts: intron variant (2).
Genome position (GRCh38, 1-based): chr11:108,332,878, C>T. VCF-style: chr11-108332878-C-T. GRCh37 (hg19) VCF-style: chr11-108203605-C-T.
Other names: c.7905C>T, p.Ala2635= (NM_001351834.2); c.641-23807G>A (NM_001330368.2); c.*38+2342G>A (NM_001351110.2).
Identifiers: ClinVar variation 481175 (VCV000481175.16), dbSNP rs757829783, ClinGen allele CA6266209.